The following is an entry in ClinVar:

ClinVar aggregate classification (germline): Uncertain significance (1 of 4 stars; one submission).

Conditions:
Baller-Gerold syndrome (BGS). Also called: CRANIOSYNOSTOSIS WITH RADIAL DEFECTS. Identifiers: Orphanet 1225, MedGen C0265308, MONDO:0009039, OMIM 218600.

Submission:

Labcorp Genetics (formerly Invitae), Labcorp
Classification: Uncertain significance for Baller-Gerold syndrome. Last evaluated: 2022-04-11. Review status: criteria provided, single submitter. Criteria: Invitae Variant Classification Sherloc (09022015). Collection method: clinical testing. Allele origin: germline.
Comment: In summary, the available evidence is currently insufficient to determine the role of this variant in disease. Therefore, it has been classified as a Variant of Uncertain Significance. Experimental studies and prediction algorithms are not available or were not evaluated, and the functional significance of this variant is currently unknown. This variant has not been reported in the literature in individuals affected with RECQL4-related conditions. This variant is not present in population databases (gnomAD no frequency). This sequence change replaces glycine, which is neutral and non-polar, with tryptophan, which is neutral and slightly polar, at codon 1086 of the RECQL4 protein (p.Gly1086Trp).

NM_004260.4(RECQL4):c.3256G>T (p.Gly1086Trp)

Gene: RECQL4 (RecQ like helicase 4; minus strand). Cytogenetic location: 8q24.3.
Variant type: single nucleotide variant.
Coding change: c.3256G>T on transcript NM_004260.4 (MANE Select); coding-DNA position 3256, G replaced by T.
Protein change: p.Gly1086Trp; replaces glycine 1086 with tryptophan.
Molecular consequence: missense variant.
Genome position (GRCh38, 1-based): chr8:144,512,048, C>A on the plus strand (G>T on the coding strand, the complement: RECQL4 is on the minus strand). VCF-style: chr8-144512048-C-A. GRCh37 (hg19) VCF-style: chr8-145737431-C-A.
Other names: c.2962G>T, p.Gly988Trp (NM_001413017.1); c.3058G>T, p.Gly1020Trp (NM_001413018.1); c.3331G>T, p.Gly1111Trp (NM_001413019.1); c.3160G>T, p.Gly1054Trp (NM_001413020.1); c.2185G>T, p.Gly729Trp (NM_001413021.1, NM_001413022.1, NM_001413034.1 and 4 more transcripts); c.2260G>T, p.Gly754Trp (NM_001413023.1); c.3256G>T, p.Gly1086Trp (NM_001413036.1); c.2053G>T, p.Gly685Trp (NM_001413037.1); and 9 more; short protein forms G1111W, G685W, G988W, G1042W, G1043W, G1076W, G754W, G969W.
Identifiers: ClinVar variation 2124511 (VCV002124511.4), dbSNP rs587778646, ClinGen allele CA372669235.
Genomic context (GRCh38, chr8:144,512,048, plus strand): 5'-GGCCGAGCAGGTCCTTGAGCCTGGTGCTGCGCTCCTCATCCTGCTGCTCCAGGCAGGGCC[C>A]GCAGCTGGGGAAGGCTACGCTGTGGGGAGGAGCCTGTCAGAGCTGATCACTGCGGGAGGG-3'
Protein context (NP_004251.4, residues 1076-1096): AFHSVAFPSC[Gly1086Trp]PCLEQQDEER